The following is an entry in ClinVar:

ClinVar aggregate classification (germline): Conflicting classifications of pathogenicity. Review status: criteria provided, conflicting classifications (1 of 4 stars). 3 submissions from 3 submitters: Uncertain significance (1); Likely benign (2). Last evaluated 2024-11-23.

Conditions:
Melanoma, cutaneous malignant, susceptibility to, 5. Also called: Cutaneous malignant melanoma 5. Identifiers: Orphanet 618, MedGen C2751295, MONDO:0013133, OMIM 613099.

Allele frequency attached by ClinVar (database versions not stated): gnomAD exomes 0.00002 and 0.00005; TOPMed 0.00002; ExAC 0.00003; ESP Exome Variant Server 0.00016.

Submissions (3):

Ambry Genetics
Classification: Likely benign. Last evaluated: 2024-11-23. Review status: criteria provided, single submitter. Criteria: Ambry Variant Classification Scheme 2023. Collection method: clinical testing. Allele origin: germline.

Labcorp Genetics (formerly Invitae), Labcorp
Classification: Uncertain significance for Melanoma, cutaneous malignant, susceptibility to, 5. Last evaluated: 2024-10-01. Review status: criteria provided, single submitter. Criteria: Invitae Variant Classification Sherloc (09022015). Collection method: clinical testing. Allele origin: germline.
Comment: This sequence change affects codon 63 of the MC1R mRNA. It is a 'silent' change, meaning that it does not change the encoded amino acid sequence of the MC1R protein. This variant is present in population databases (rs373344683, gnomAD 0.02%). This variant has not been reported in the literature in individuals affected with MC1R-related conditions. ClinVar contains an entry for this variant (Variation ID: 321420). Experimental studies and prediction algorithms are not available or were not evaluated, and the effect of this variant on mRNA splicing is currently unknown. In summary, the available evidence is currently insufficient to determine the role of this variant in disease. Therefore, it has been classified as a Variant of Uncertain Significance.

Illumina Laboratory Services, Illumina
Classification: Likely benign for Melanoma, cutaneous malignant, susceptibility to, 5. Last evaluated: 2018-01-13. Review status: criteria provided, single submitter. Criteria: ICSL Variant Classification Criteria 13 December 2019. Collection method: clinical testing. Allele origin: germline.
Comment: This variant was observed in the ICSL laboratory as part of a predisposition screen in an ostensibly healthy population. It had not been previously curated by ICSL or reported in the Human Gene Mutation Database (HGMD: prior to June 1st, 2018), and was therefore a candidate for classification through an automated scoring system. Utilizing variant allele frequency, disease prevalence and penetrance estimates, and inheritance mode, an automated score was calculated to assess if this variant is too frequent to cause the disease. Based on the score and internal cut-off values, a variant classified as likely benign is not then subjected to further curation. The score for this variant resulted in a classification of likely benign for this disease.

NM_002386.4(MC1R):c.189C>T (p.Ile63=)

Gene: MC1R (melanocortin 1 receptor; plus strand). Cytogenetic location: 16q24.3.
Variant type: single nucleotide variant.
Coding change: c.189C>T on transcript NM_002386.4 (MANE Select); coding-DNA position 189, C replaced by T.
Protein change: p.Ile63=; no amino-acid change (isoleucine 63 retained).
Molecular consequence: synonymous variant.
Genome position (GRCh38, 1-based): chr16:89,919,447, C>T. VCF-style: chr16-89919447-C-T. GRCh37 (hg19) VCF-style: chr16-89985855-C-T.
Identifiers: ClinVar variation 321420 (VCV000321420.8), dbSNP rs373344683, ClinGen allele CA8255517.
Genomic context (GRCh38, chr16:89,919,447, plus strand): 5'-GCTCTTCCTCAGCCTGGGGCTGGTGAGCTTGGTGGAGAACGCGCTGGTGGTGGCCACCAT[C>T]GCCAAGAACCGGAACCTGCACTCACCCATGTACTGCTTCATCTGCTGCCTGGCCTTGTCG-3'
Protein context (NP_002377.4, residues 53-73): LVENALVVAT[Ile63=]AKNRNLHSPM